The following is an entry in ClinVar:

ClinVar aggregate classification (germline): VUS-mid (0 of 4 stars; one submission).

Conditions:
Breast neoplasm. Also called: Neoplasm of breast; Breast tumor; Neoplasm of the breast; Breast Neoplasms. Identifiers: MedGen C1458155, MeSH D001943, MONDO:0021100, HP:0100013. Disease mechanism: gain of function.

gnomAD v4.1: 1 of 1,602,458 alleles (0.000062%); highest among the groups gnomAD compares: Non-Finnish European, 0.000085%; no homozygotes.

Submission:

Hdge Lab, Department of Biotechnology, Mizoram University
Classification: VUS-mid for Breast neoplasm. Last evaluated: 2026-08-15. Review status: no assertion criteria provided. Collection method: case-control. Allele origin: germline. Affected: yes. Observed: 11 variant alleles.
Comment: The variant was classified according to the ACMG/AMP 2015 guidelines (PMID:25741868). The variant is classified as a VUS-Mid based on the available evidence. PM2 is supported by the extremely low population allele frequency of 6.24 × 10⁻⁷ (AC = 1; AN = 1,602,458), with no homozygous individuals observed in the population database. The variant has not previously been reported in ClinVar. BP4 is supported by concordant computational predictions indicating a benign effect of the nonsynonymous variant. The variant was observed in 11 of 49 breast cancer cases and 0 of 27 controls in the study cohort.

NM_000926.4(PGR):c.1192G>C (p.Ala398Pro)

Gene: PGR (progesterone receptor; minus strand). Cytogenetic location: 11q22.1.
Variant type: single nucleotide variant.
Coding change: c.1192G>C on transcript NM_000926.4 (MANE Select); coding-DNA position 1192, G replaced by C.
Protein change: p.Ala398Pro; replaces alanine 398 with proline.
Molecular consequence: missense variant. On other transcripts: non-coding transcript variant (3), intron variant (1).
Genome position (GRCh38, 1-based): chr11:101,127,879, C>G on the plus strand (G>C on the coding strand, the complement: PGR is on the minus strand). VCF-style: chr11-101127879-C-G. GRCh37 (hg19) VCF-style: chr11-100998610-C-G.
Other names: c.700G>C, p.Ala234Pro (NM_001202474.3, NM_001271161.2); c.-146+1549G>C (NM_001271162.2); short protein forms A398P, A234P.
Identifiers: ClinVar variation 4891532 (VCV004891532.1), dbSNP rs747217871.
Genomic context (GRCh38, chr11:101,127,879, plus strand): 5'-GGAAATCCGGGAAGGCTGCGGGGTTGGCACCGGCCACAAGGTAGGAACGCGGGGAGCGCG[C>G]GGAGGCCTCCGCGCCTTCCTCCTCCTCCTTTATCTTTAGAGCGGGCGGCTGGAAGTCGCT-3'
Protein context (NP_000917.3, residues 388-408): KEEEEGAEAS[Ala398Pro]RSPRSYLVAG